The following is an entry in ClinVar:

NM_139343.3(BIN1):c.1516G>A (p.Val506Met)

Gene: BIN1 (bridging integrator 1; minus strand). Cytogenetic location: 2q14.3.
Variant type: single nucleotide variant.
Coding change: c.1516G>A on transcript NM_139343.3 (MANE Select); coding-DNA position 1516, G replaced by A.
Protein change: p.Val506Met; replaces valine 506 with methionine.
Molecular consequence: missense variant.
Genome position (GRCh38, 1-based): chr2:127,050,858, C>T on the plus strand (G>A on the coding strand, the complement: BIN1 is on the minus strand). VCF-style: chr2-127050858-C-T. GRCh37 (hg19) VCF-style: chr2-127808434-C-T.
Other names: c.1009G>A, p.Val337Met (NM_001320632.2); c.1147G>A, p.Val383Met (NM_001320633.2); c.892G>A, p.Val298Met (NM_001320634.1); c.1276G>A, p.Val426Met (NM_001320640.2); c.1423G>A, p.Val475Met (NM_001320641.2); c.1435G>A, p.Val479Met (NM_001320642.1); c.1099G>A, p.Val367Met (NM_004305.4); c.1387G>A, p.Val463Met (NM_139344.3); and 8 more; short protein forms V298M, V322M, V337M, V352M, V367M, V383M, V388M, V395M.
Identifiers: ClinVar variation 1017442 (VCV001017442.9), dbSNP rs371571307, ClinGen allele CA1857016.

ClinVar aggregate classification (germline): Uncertain significance. Review status: criteria provided, multiple submitters, no conflicts (2 of 4 stars). 2 submissions from 2 submitters: Uncertain significance (2). Last evaluated 2025-04-07.

Conditions:
Inborn genetic diseases. Identifiers: MedGen C0950123, MeSH D030342.
Myopathy, centronuclear, 2 (CNM2). Also called: MYOTUBULAR MYOPATHY, AUTOSOMAL RECESSIVE. Identifiers: Orphanet 169186, MedGen CN031787, MONDO:0009709, OMIM 255200.

Allele frequency attached by ClinVar (database versions not stated): gnomAD exomes 0.00001 and 0.00002; ExAC 0.00001; gnomAD 0.00001; ESP Exome Variant Server 0.00008.
gnomAD v4.1: 13 of 1,613,782 alleles (0.00081%); highest among the groups gnomAD compares: Admixed American, 0.0017%; no homozygotes.

Submissions (2):

Ambry Genetics
Classification: Uncertain significance for Inborn genetic diseases. Last evaluated: 2025-04-07. Review status: criteria provided, single submitter. Criteria: Ambry Variant Classification Scheme 2023. Collection method: clinical testing. Allele origin: germline.

Labcorp Genetics (formerly Invitae), Labcorp
Classification: Uncertain significance for Myopathy, centronuclear, 2. Last evaluated: 2020-02-15. Review status: criteria provided, single submitter. Criteria: Invitae Variant Classification Sherloc (09022015). Collection method: clinical testing. Allele origin: germline.
Comment: In summary, the available evidence is currently insufficient to determine the role of this variant in disease. Therefore, it has been classified as a Variant of Uncertain Significance. Algorithms developed to predict the effect of missense changes on protein structure and function output the following: SIFT: "Tolerated"; PolyPhen-2: "Benign"; Align-GVGD: "Class C0". The methionine amino acid residue is found in multiple mammalian species, suggesting that this missense change does not adversely affect protein function. These predictions have not been confirmed by published functional studies and their clinical significance is uncertain. This variant has not been reported in the literature in individuals with BIN1-related conditions. This variant is present in population databases (rs371571307, ExAC 0.002%). This sequence change replaces valine with methionine at codon 506 of the BIN1 protein (p.Val506Met). The valine residue is moderately conserved and there is a small physicochemical difference between valine and methionine.